The following is an entry in ClinVar:

ClinVar aggregate classification (germline): Pathogenic (1 of 4 stars; one submission).

Conditions:
Chromosome 22q11.2 microduplication syndrome. Also called: CHROMOSOME 22q11.2 DUPLICATION SYNDROME; 22q11.2 microduplication syndrome. Identifiers: Orphanet 1727, MedGen C2675369, MONDO:0012020, OMIM 608363.

Submission:

Broad Center for Mendelian Genomics, Broad Institute of MIT and Harvard
Classification: Pathogenic for Chromosome 22q11.2 microduplication syndrome. Last evaluated: 2022-08-25. Review status: criteria provided, single submitter. Criteria: ACMG/ClinGen CNV Guidelines, 2019. Collection method: curation. Allele origin: germline. Inheritance: Sporadic. Affected: yes.
Comment: Data from large population studies is insufficient to assess the frequency of this variant. Two reported probands from the literature (PMID: 17250668; PMID: 26719767) have copy-number gains in chromosome 22q11.21 similar in genomic content to the variant in our study. Of these probands, one has a duplication that is confirmed de novo and in both probands the reported phenotypes are nonspecific (delay in social and language development, autism, neuromotor delay). In summary, this variant meets criteria to be classified as pathogenic for autosomal dominant Chromosome 22q11.21 duplication Syndrome. The ACMG/ClinGen evidence codes and points used in this curation are as follows: 1A: 0 points, 2B: 0 points, 3C: 0.90 points, 4C: 0.25 points, 5A: 0.15 points; Total: 1.30 points; Riggs 2020 (PMID: 31690835).

Single allele

Genes: CLDN5 (claudin 5; minus strand), CLTCL1 (clathrin heavy chain like 1; minus strand), COMT (catechol-O-methyltransferase; plus strand), ESS2 (ess-2 spliceosome associated protein; minus strand), FAM230G (family with sequence similarity 230 member G; plus strand) and 167 more. Cytogenetic location: 22q11.21.
Variant type: Duplication.
Identifiers: ClinVar variation 1703237 (VCV001703237.2).